The following is an entry in ClinVar:

ClinVar aggregate classification (germline): Uncertain significance (1 of 4 stars; one submission).

Conditions:
Joubert syndrome. Also called: CEREBELLOPARENCHYMAL DISORDER IV; JOUBERT-BOLTSHAUSER SYNDROME; Familial aplasia of the vermis. Identifiers: Orphanet 475, MedGen C5979921, MONDO:0018772.
Meckel-Gruber syndrome. Also called: DYSENCEPHALIA SPLANCHNOCYSTICA; GRUBER SYNDROME; Dysencephalia splachnocystica. Identifiers: Orphanet 564, MedGen C0265215, MONDO:0018921.

Submission:

Labcorp Genetics (formerly Invitae), Labcorp
Classification: Uncertain significance for Joubert syndrome; Meckel-Gruber syndrome. Last evaluated: 2024-08-05. Review status: criteria provided, single submitter. Criteria: Invitae Variant Classification Sherloc (09022015). Collection method: clinical testing. Allele origin: germline.
Comment: This sequence change replaces glycine, which is neutral and non-polar, with arginine, which is basic and polar, at codon 167 of the TMEM67 protein (p.Gly167Arg). This variant is not present in population databases (gnomAD no frequency). This variant has not been reported in the literature in individuals affected with TMEM67-related conditions. ClinVar contains an entry for this variant (Variation ID: 1394184). An algorithm developed to predict the effect of missense changes on protein structure and function outputs the following: PolyPhen-2: "Possibly Damaging". The arginine amino acid residue is found in multiple mammalian species, which suggests that this missense change does not adversely affect protein function. In summary, the available evidence is currently insufficient to determine the role of this variant in disease. Therefore, it has been classified as a Variant of Uncertain Significance.

NM_153704.6(TMEM67):c.499G>A (p.Gly167Arg)

Gene: TMEM67 (transmembrane protein 67; plus strand). Cytogenetic location: 8q22.1.
Variant type: single nucleotide variant.
Coding change: c.499G>A on transcript NM_153704.6 (MANE Select); coding-DNA position 499, G replaced by A.
Protein change: p.Gly167Arg; replaces glycine 167 with arginine.
Molecular consequence: missense variant. On other transcripts: non-coding transcript variant (1).
Genome position (GRCh38, 1-based): chr8:93,763,934, G>A. VCF-style: chr8-93763934-G-A. GRCh37 (hg19) VCF-style: chr8-94776162-G-A.
Other names: c.256G>A, p.Gly86Arg (NM_001142301.1); short protein forms G167R, G86R.
Identifiers: ClinVar variation 1394184 (VCV001394184.6), dbSNP rs2130576945, ClinGen allele CA371686484.